The following is an entry in ClinVar:

ClinVar aggregate classification (germline): Uncertain significance (1 of 4 stars; one submission).

Conditions:
Inherited ovarian cancer (without breast cancer).

gnomAD v4.1: 1 of 1,613,872 alleles (0.000062%); highest among the groups gnomAD compares: Non-Finnish European, 0.000085%; no homozygotes.

Submission:

Genomics and Molecular Medicine Service, East Genomic Laboratory Hub, NHS Genomic Medicine Service
Classification: Uncertain significance for Inherited ovarian cancer (without breast cancer). Last evaluated: 2026-05-19. Review status: criteria provided, single submitter. Criteria: ACGS Best Practice Guidelines for Variant Classification in Rare Disease 2020. Collection method: clinical testing. Allele origin: germline. Affected: yes.
Comment: PM2_Supporting,BP4

NM_032043.3(BRIP1):c.682G>C (p.Glu228Gln)

Gene: BRIP1 (BRCA1 interacting DNA helicase 1; minus strand). Cytogenetic location: 17q23.2.
Variant type: single nucleotide variant.
Coding change: c.682G>C on transcript NM_032043.3 (MANE Select); coding-DNA position 682, G replaced by C.
Protein change: p.Glu228Gln; replaces glutamic acid 228 with glutamine.
Molecular consequence: missense variant.
Genome position (GRCh38, 1-based): chr17:61,808,703, C>G on the plus strand (G>C on the coding strand, the complement: BRIP1 is on the minus strand). VCF-style: chr17-61808703-C-G. GRCh37 (hg19) VCF-style: chr17-59886064-C-G.
Other names: short protein forms E228Q.
Identifiers: ClinVar variation 4852790 (VCV004852790.1).